The following is an entry in ClinVar:

ClinVar aggregate classification (germline): Uncertain significance (1 of 4 stars; one submission).

Conditions:
Hereditary cancer-predisposing syndrome. Also called: Neoplastic Syndromes, Hereditary; Tumor predisposition; Hereditary neoplastic syndrome; Hereditary Cancer Syndrome. Identifiers: Orphanet 140162, MedGen C0027672, MeSH D009386, MONDO:0015356.

Submission:

Ambry Genetics
Classification: Uncertain significance for Hereditary cancer-predisposing syndrome. Last evaluated: 2026-07-07. Review status: criteria provided, single submitter. Criteria: Ambry Variant Classification Scheme 2023. Collection method: clinical testing. Allele origin: germline.
Comment: The p.S348C variant (also known as c.1043C>G), located in coding exon 4 of the MSH6 gene, results from a C to G substitution at nucleotide position 1043. The serine at codon 348 is replaced by cysteine, an amino acid with dissimilar properties. This amino acid position is conserved. In addition, the in silico prediction for this alteration is inconclusive. Based on the available evidence, the clinical significance of this variant remains unclear.

NM_000179.3(MSH6):c.1043C>G (p.Ser348Cys)

Gene: MSH6 (mutS homolog 6; plus strand). Cytogenetic location: 2p16.3.
Variant type: single nucleotide variant.
Coding change: c.1043C>G on transcript NM_000179.3 (MANE Select); coding-DNA position 1043, C replaced by G.
Protein change: p.Ser348Cys; replaces serine 348 with cysteine.
Molecular consequence: missense variant. On other transcripts: non-coding transcript variant (4), intron variant (1).
Genome position (GRCh38, 1-based): chr2:47,799,026, C>G. VCF-style: chr2-47799026-C-G. GRCh37 (hg19) VCF-style: chr2-48026165-C-G.
Other names: c.1043C>G, p.Ser348Cys (NM_001406809.1, NM_001406817.1, NM_001406800.1 and 4 more transcripts); c.137C>G, p.Ser46Cys (NM_001406811.1, NM_001406812.1, NM_001406814.1 and 6 more transcripts); c.1049C>G, p.Ser350Cys (NM_001406813.1); c.746C>G, p.Ser249Cys (NM_001406818.1, NM_001406819.1, NM_001406830.1 and 10 more transcripts); c.628-1640C>G (NM_001407362.1); c.1139C>G, p.Ser380Cys (NM_001406802.1, NM_001406795.1); c.965C>G, p.Ser322Cys (NM_001406804.1); c.518C>G, p.Ser173Cys (NM_001406806.1, NM_001406807.1, NM_001406799.1); and 2 more; short protein forms S218C, S46C, S322C, S173C, S348C, S249C, S292C, S350C.
Identifiers: ClinVar variation 5024907 (VCV005024907.1).